The following is an entry in ClinVar:

ClinVar aggregate classification (germline): Conflicting classifications of pathogenicity. Review status: criteria provided, conflicting classifications (1 of 4 stars). 2 submissions from 1 submitter: Uncertain significance (1); Benign (1). Last evaluated 2018-01-13.

Conditions:
Optic atrophy 3 (OPA3). Also called: OPTIC ATROPHY 3, AUTOSOMAL DOMINANT; Optic atrophy, cataract, and neurologic disorder; Optic atrophy 3 with cataract. Identifiers: Orphanet 67036, MedGen C1833809, MONDO:0008133, OMIM 165300.
3-Methylglutaconic aciduria type 3 (MGCA3). Also called: OPA3, AUTOSOMAL RECESSIVE; OPA3-Related 3-Methylglutaconic Aciduria; Costeff Syndrome; OPTIC ATROPHY 3, AUTOSOMAL RECESSIVE. Identifiers: Orphanet 67047, MedGen C0574084, MONDO:0009787, OMIM 258501.

Allele frequency attached by ClinVar (database versions not stated): gnomAD 0.00005 and 0.00028; TOPMed 0.00011; 1000 Genomes Project 30x 0.00156; 1000 Genomes Project 0.00160.
gnomAD v4.1: 61 of 593,514 alleles (0.01%); highest among the groups gnomAD compares: South Asian, 0.37%; no homozygotes.

Submissions (2):

Illumina Laboratory Services, Illumina
Classification: Benign for Optic atrophy 3. Last evaluated: 2018-01-13. Review status: criteria provided, single submitter. Criteria: ICSL Variant Classification Criteria 13 December 2019. Collection method: clinical testing. Allele origin: germline.
Comment: This variant was observed in the ICSL laboratory as part of a predisposition screen in an ostensibly healthy population. It had not been previously curated by ICSL or reported in the Human Gene Mutation Database (HGMD: prior to June 1st, 2018), and was therefore a candidate for classification through an automated scoring system. Utilizing variant allele frequency, disease prevalence and penetrance estimates, and inheritance mode, an automated score was calculated to assess if this variant is too frequent to cause the disease. Based on the score and internal cut-off values, a variant classified as benign is not then subjected to further curation. The score for this variant resulted in a classification of benign for this disease.

Illumina Laboratory Services, Illumina
Classification: Uncertain significance for 3-Methylglutaconic aciduria type 3. Last evaluated: 2018-01-13. Review status: criteria provided, single submitter. Criteria: ICSL Variant Classification Criteria 13 December 2019. Collection method: clinical testing. Allele origin: germline.

NM_025136.4(OPA3):c.*7018G>C

Genes: OPA3 (outer mitochondrial membrane lipid metabolism regulator OPA3; minus strand), OPA3-RTN2 (OPA3-RTN2 readthrough; minus strand). Cytogenetic location: 19q13.32.
Variant type: single nucleotide variant.
Coding change: c.*7018G>C on transcript NM_025136.4 (MANE Select); 7018 bases downstream of the stop codon, G replaced by C.
Molecular consequence: 3 prime UTR variant. On other transcripts: intron variant (1).
Genome position (GRCh38, 1-based): chr19:45,546,496, C>G on the plus strand (G>C on the coding strand, the complement: OPA3 is on the minus strand). VCF-style: chr19-45546496-C-G. GRCh37 (hg19) VCF-style: chr19-46049754-C-G.
Other names: c.143-17040G>C (NM_001017989.3).
Identifiers: ClinVar variation 892756 (VCV000892756.4), dbSNP rs557041940, ClinGen allele CA308952787.